The following is an entry in ClinVar:

ClinVar aggregate classification (germline): Uncertain significance (1 of 4 stars; one submission).

Conditions:
Kabuki syndrome. Also called: Kabuki make-up syndrome; NIIKAWA-KUROKI SYNDROME. Identifiers: Orphanet 2322, MedGen C0796004, MONDO:0016512.

Submission:

Labcorp Genetics (formerly Invitae), Labcorp
Classification: Uncertain significance for Kabuki syndrome. Last evaluated: 2022-03-26. Review status: criteria provided, single submitter. Criteria: Invitae Variant Classification Sherloc (09022015). Collection method: clinical testing. Allele origin: germline.
Comment: This variant is not present in population databases (gnomAD no frequency). This sequence change replaces histidine, which is basic and polar, with arginine, which is basic and polar, at codon 5348 of the KMT2D protein (p.His5348Arg). This variant has not been reported in the literature in individuals affected with KMT2D-related conditions. In summary, the available evidence is currently insufficient to determine the role of this variant in disease. Therefore, it has been classified as a Variant of Uncertain Significance. Algorithms developed to predict the effect of missense changes on protein structure and function are either unavailable or do not agree on the potential impact of this missense change (SIFT: "Tolerated"; PolyPhen-2: "Not Available"; Align-GVGD: "Class C0").

NM_003482.4(KMT2D):c.16043A>G (p.His5348Arg)

Gene: KMT2D (lysine methyltransferase 2D; minus strand). Cytogenetic location: 12q13.12.
Variant type: single nucleotide variant.
Coding change: c.16043A>G on transcript NM_003482.4 (MANE Select); coding-DNA position 16043, A replaced by G.
Protein change: p.His5348Arg; replaces histidine 5348 with arginine.
Molecular consequence: missense variant.
Genome position (GRCh38, 1-based): chr12:49,024,587, T>C on the plus strand (A>G on the coding strand, the complement: KMT2D is on the minus strand). VCF-style: chr12-49024587-T-C. GRCh37 (hg19) VCF-style: chr12-49418370-T-C.
Other names: short protein forms H5348R.
Identifiers: ClinVar variation 2113904 (VCV002113904.4), dbSNP rs2499030441, ClinGen allele CA384681122.